The following is an entry in ClinVar:

NM_004415.4(DSP):c.4434dup (p.Lys1479Ter)

Gene: DSP (desmoplakin; plus strand). Cytogenetic location: 6p24.3.
Variant type: Duplication.
Coding change: c.4434dup on transcript NM_004415.4 (MANE Select); coding-DNA position 4434, one base duplicated (T; older notation c.4434dupT).
Protein change: p.Lys1479Ter; replaces lysine 1479 with a stop codon.
Molecular consequence: nonsense. On other transcripts: intron variant (2).
Genome position (GRCh38, 1-based): chr6:7,580,624, T duplicated. VCF-style (leftmost placement, unchanged base first): chr6-7580623-A-AT. GRCh37 (hg19) VCF-style: chr6-7580856-A-AT.
Other names: c.4050+384dup (NM_001319034.2); c.3582+852dup (NM_001008844.3); short protein forms K1479*.
Identifiers: ClinVar variation 1071932 (VCV001071932.7), dbSNP rs2113694076, ClinGen allele CA448714497.

ClinVar aggregate classification (germline): Pathogenic (1 of 4 stars; one submission).

Conditions:
Arrhythmogenic right ventricular dysplasia 8 (ARVD8). Also called: Arrhythmogenic Right Ventricular Dysplasia/Cardiomyopathy 8; ARRHYTHMOGENIC RIGHT VENTRICULAR DYSPLASIA, FAMILIAL, 8; ARRHYTHMOGENIC RIGHT VENTRICULAR CARDIOMYOPATHY 8. Identifiers: MedGen C1843896, MONDO:0011831, OMIM 607450.
Arrhythmogenic cardiomyopathy with wooly hair and keratoderma. Also called: PALMOPLANTAR KERATODERMA WITH LEFT VENTRICULAR CARDIOMYOPATHY AND WOOLLY HAIR; Carvajal syndrome; Arrhythmogenic cardiomyopathy with woolly hair and keratoderma; Dilated cardiomyopathy with woolly hair and keratoderma. Identifiers: Orphanet 65282, MedGen C1854063, MONDO:0011581, OMIM 605676.

Submission:

Labcorp Genetics (formerly Invitae), Labcorp
Classification: Pathogenic for Arrhythmogenic cardiomyopathy with wooly hair and keratoderma; Arrhythmogenic right ventricular dysplasia 8. Last evaluated: 2024-08-27. Review status: criteria provided, single submitter. Criteria: Invitae Variant Classification Sherloc (09022015). Collection method: clinical testing. Allele origin: germline.
Comment: This sequence change creates a premature translational stop signal (p.Lys1479*) in the DSP gene. It is expected to result in an absent or disrupted protein product. Loss-of-function variants in DSP are known to be pathogenic (PMID: 20716751, 24503780, 25227139). This variant is not present in population databases (gnomAD no frequency). This variant has not been reported in the literature in individuals affected with DSP-related conditions. ClinVar contains an entry for this variant (Variation ID: 1071932). For these reasons, this variant has been classified as Pathogenic.

Literature cited by the submitters: PubMed 20716751; PubMed 24503780; PubMed 25227139.